The following is an entry in ClinVar:

ClinVar aggregate classification (germline): Uncertain significance. Review status: criteria provided, multiple submitters, no conflicts (2 of 4 stars). 3 submissions from 3 submitters: Uncertain significance (3). Last evaluated 2025-08-08.

Conditions:
Familial thoracic aortic aneurysm and aortic dissection (TAAD). Also called: Thoracic aortic aneurysms and dissections. Identifiers: Orphanet 91387, MedGen C4707243, MONDO:0019625.

Allele frequency attached by ClinVar (database versions not stated): gnomAD exomes below 0.00001.
gnomAD v4.1: 1 of 1,613,908 alleles (0.000062%); highest among the groups gnomAD compares: Non-Finnish European, 0.000085%; no homozygotes.

Submissions (3):

GeneDx
Classification: Uncertain significance. Last evaluated: 2025-08-08. Review status: criteria provided, single submitter. Criteria: GeneDx Variant Classification Process June 2021. Collection method: clinical testing. Allele origin: germline. Affected: yes.
Comment: Not observed at significant frequency in large population cohorts (gnomAD); In silico analysis suggests that this missense variant does not alter protein structure/function; Has not been previously published as pathogenic or benign to our knowledge

All of Us Research Program, National Institutes of Health
Classification: Uncertain significance for Familial thoracic aortic aneurysm and aortic dissection. Last evaluated: 2023-08-15. Review status: criteria provided, single submitter. Criteria: ACMG Guidelines, 2015. Collection method: clinical testing. Allele origin: germline. Inheritance: Autosomal dominant inheritance. Observed: 1 variant allele, 1 heterozygote.
Comment: This missense variant replaces leucine with phenylalanine at codon 756 of the MYH11 protein. Computational prediction suggests that this variant may not impact protein structure and function (internally defined REVEL score threshold <= 0.5, PMID: 27666373). To our knowledge, functional studies have not been reported for this variant. This variant has not been reported in individuals affected with MYH11-related disorders in the literature. This variant has not been identified in the general population by the Genome Aggregation Database (gnomAD). The available evidence is insufficient to determine the role of this variant in disease conclusively. Therefore, this variant is classified as a Variant of Uncertain Significance.

This study involves interpretation of variants in research participants for the purpose of population health screening. Participant phenotype was not available at the time of variant classification. Additional details can be found in publication PMID: 35346344, PMCID: PMC8962531

Color Diagnostics, LLC DBA Color Health
Classification: Uncertain significance for Familial thoracic aortic aneurysm and aortic dissection. Last evaluated: 2023-08-02. Review status: criteria provided, single submitter. Criteria: ACMG Guidelines, 2015. Collection method: clinical testing. Allele origin: germline.
Comment: This missense variant replaces leucine with phenylalanine at codon 756 of the MYH11 protein. Computational prediction suggests that this variant may not impact protein structure and function. To our knowledge, functional studies have not been reported for this variant. This variant has not been reported in individuals affected with MYH11-related disorders in the literature. This variant has not been identified in the general population by the Genome Aggregation Database (gnomAD). The available evidence is insufficient to determine the role of this variant in disease conclusively. Therefore, this variant is classified as a Variant of Uncertain Significance.

NM_002474.3(MYH11):c.2245C>T (p.Leu749Phe)

Gene: MYH11 (myosin heavy chain 11; minus strand). Cytogenetic location: 16p13.11.
Variant type: single nucleotide variant.
Coding change: c.2245C>T on transcript NM_002474.3 (MANE Select); coding-DNA position 2245, C replaced by T.
Protein change: p.Leu749Phe; replaces leucine 749 with phenylalanine.
Molecular consequence: missense variant.
Genome position (GRCh38, 1-based): chr16:15,747,879, G>A on the plus strand (C>T on the coding strand, the complement: MYH11 is on the minus strand). VCF-style: chr16-15747879-G-A. GRCh37 (hg19) VCF-style: chr16-15841736-G-A.
Other names: c.2266C>T, p.Leu756Phe (NM_001040113.2, NM_001040114.2); c.2245C>T, p.Leu749Phe (NM_022844.3); c.2245C>T (NM_002474.2); short protein forms L749F, L756F.
Identifiers: ClinVar variation 3072675 (VCV003072675.2), dbSNP rs2506269937, ClinGen allele CA394867646.